The following is an entry in ClinVar:

ClinVar aggregate classification (germline): Conflicting classifications of pathogenicity. Review status: criteria provided, conflicting classifications (1 of 4 stars). 10 submissions from 10 submitters: Uncertain significance (1); Benign (1); Likely benign (4). 4 of the submissions do not count toward it. Last evaluated 2026-07-01.

Conditions:
Oto-palato-digital syndrome, type II (OPD2). Also called: Otopalatodigital Syndrome, Type II; FACIOPALATOOSSEOUS SYNDROME; OPD II SYNDROME; Otopalatodigital Syndrome Type 2 (FLNA-OPD2). Identifiers: Orphanet 669, Orphanet 90652, MedGen C1844696, MONDO:0010571, OMIM 304120.
Melnick-Needles syndrome (MNS). Also called: MELNICK-NEEDLES OSTEODYSPLASTY; OSTEODYSPLASTY OF MELNICK AND NEEDLES; Melnick-Needles Syndrome (FLNA-MNS). Identifiers: Orphanet 2484, MedGen C0025237, MONDO:0010650, OMIM 309350.
Frontometaphyseal dysplasia (FMD1). Identifiers: Orphanet 1826, MedGen C0265293, MONDO:0015942.
Heterotopia, periventricular, X-linked dominant (PVNH1). Also called: X-linked periventricular heterotopia; PERIVENTRICULAR NODULAR HETEROTOPIA 1; PERIVENTRICULAR NODULAR HETEROTOPIA 4; HETEROTOPIA, PERIVENTRICULAR, 1. Identifiers: Orphanet 2149, Orphanet 82004, MedGen C1848213, MONDO:0010233, OMIM 300049.
FLNA-related disorder.
Familial thoracic aortic aneurysm and aortic dissection (TAAD). Also called: Thoracic aortic aneurysms and dissections. Identifiers: Orphanet 91387, MedGen C4707243, MONDO:0019625.

Allele frequency attached by ClinVar (database versions not stated): gnomAD exomes 0.00007 and 0.00017; gnomAD 0.00009; ExAC 0.00016; 1000 Genomes Project 0.00026; TOPMed 0.00031; 1000 Genomes Project 30x 0.00042.
gnomAD v4.1: 96 of 1,210,363 alleles (0.0079%); highest among the groups gnomAD compares: Middle Eastern, 0.16%; no homozygotes.

Submissions (10):

CeGaT Center for Human Genetics Tuebingen
Classification: Likely benign. Last evaluated: 2026-07-01. Review status: criteria provided, single submitter. Criteria: CeGaT Center For Human Genetics Tuebingen Variant Classification Criteria Version 2. Collection method: clinical testing. Allele origin: germline. Affected: yes. Observed: 2 variant alleles.
Comment: FLNA: BS2

Labcorp Genetics (formerly Invitae), Labcorp
Classification: Benign for Oto-palato-digital syndrome, type II; Heterotopia, periventricular, X-linked dominant; Frontometaphyseal dysplasia; Melnick-Needles syndrome. Last evaluated: 2026-01-11. Review status: criteria provided, single submitter. Criteria: Invitae Variant Classification Sherloc (09022015). Collection method: clinical testing. Allele origin: germline.

Blueprint Genetics
Classification: Likely benign. Last evaluated: 2024-02-16. Review status: criteria provided, single submitter. Criteria: ACMG Guidelines, 2015. Collection method: clinical testing. Allele origin: germline.

GeneDx
Classification: Likely benign. Last evaluated: 2021-06-19. Review status: criteria provided, single submitter. Criteria: GeneDx Variant Classification Process June 2021. Collection method: clinical testing. Allele origin: germline. Affected: yes.
Comment: This variant is associated with the following publications: (PMID: 30986657)

Athena Diagnostics
Classification: Uncertain significance. Last evaluated: 2018-12-28. Review status: criteria provided, single submitter. Criteria: Athena Diagnostics Criteria. Collection method: clinical testing. Allele origin: germline.

Ambry Genetics
Classification: Likely benign for Familial thoracic aortic aneurysm and aortic dissection. Last evaluated: 2018-10-07. Review status: criteria provided, single submitter. Criteria: Ambry Variant Classification Scheme 2023. Collection method: clinical testing. Allele origin: germline.

PreventionGenetics, part of Exact Sciences
Classification: Likely benign for FLNA-related condition. Last evaluated: 2020-10-19. Review status: no assertion criteria provided. Collection method: clinical testing. Allele origin: germline. Not counted in ClinVar's aggregate classification.
Comment: This variant is classified as likely benign based on ACMG/AMP sequence variant interpretation guidelines (Richards et al. 2015 PMID: 25741868, with internal and published modifications).

Clinical Genetics DNA and cytogenetics Diagnostics Lab, Erasmus MC, Erasmus Medical Center
Classification: Likely benign. Review status: no assertion criteria provided. Collection method: clinical testing. Allele origin: germline. Affected: yes. Study: VKGL Data-share Consensus. Not counted in ClinVar's aggregate classification.

Genome Diagnostics Laboratory, University Medical Center Utrecht
Classification: Likely benign. Review status: no assertion criteria provided. Collection method: clinical testing. Allele origin: germline. Affected: yes. Study: VKGL Data-share Consensus. Not counted in ClinVar's aggregate classification.

Laboratory of Diagnostic Genome Analysis, Leiden University Medical Center (LUMC)
Classification: Likely benign. Review status: no assertion criteria provided. Collection method: clinical testing. Allele origin: germline. Affected: yes. Study: VKGL Data-share Consensus. Not counted in ClinVar's aggregate classification.

NM_001110556.2(FLNA):c.7450C>T (p.Arg2484Cys)

Gene: FLNA (filamin A; minus strand). Cytogenetic location: Xq28.
Variant type: single nucleotide variant.
Coding change: c.7450C>T on transcript NM_001110556.2 (MANE Select); coding-DNA position 7450, C replaced by T.
Protein change: p.Arg2484Cys; replaces arginine 2484 with cysteine.
Molecular consequence: missense variant.
Genome position (GRCh38, 1-based): chrX:154,349,751, G>A on the plus strand (C>T on the coding strand, the complement: FLNA is on the minus strand). VCF-style: chrX-154349751-G-A. GRCh37 (hg19) VCF-style: chrX-153578119-G-A.
Other names: p.R2476C:CGC>TGC; c.7426C>T, p.Arg2476Cys (NM_001456.4); short protein forms R2476C, R2484C.
Identifiers: ClinVar variation 213510 (VCV000213510.28), dbSNP rs782557713, ClinGen allele CA319805.